The following is an entry in ClinVar:

ClinVar aggregate classification (germline): Uncertain significance. Review status: criteria provided, multiple submitters, no conflicts (2 of 4 stars). 7 submissions from 7 submitters: Uncertain significance (6). 1 of the submissions does not count toward it. Last evaluated 2026-08-19.

Conditions:
Intellectual disability. Also called: Intellectual functioning disability; Intellectual developmental disorder; intellectual disabilities. Identifiers: MedGen C3714756, MeSH D008607, MONDO:0001071, HP:0001249.
Adams-Oliver syndrome 2 (AOS2). Identifiers: Orphanet 974, MedGen C3280182, MONDO:0013635, OMIM 614219.
Inborn genetic diseases. Identifiers: MedGen C0950123, MeSH D030342.

Allele frequency attached by ClinVar (database versions not stated): ExAC 0.00023; TOPMed 0.00040; gnomAD exomes 0.00035 and 0.00038; ESP Exome Variant Server 0.00033; gnomAD 0.00037 and 0.00042.
gnomAD v4.1: 551 of 1,554,210 alleles (0.035%); highest among the groups gnomAD compares: Admixed American, 0.1%; no homozygotes.

Submissions (7):

GeneDx
Classification: Uncertain significance. Last evaluated: 2026-08-19. Review status: criteria provided, single submitter. Criteria: GeneDx Variant Classification Process June 2021. Collection method: clinical testing. Allele origin: germline.
Comment: In silico analysis supports that this missense variant has a deleterious effect on protein structure/function; Has not been previously published as pathogenic or benign to our knowledge

Women's Health and Genetics/Laboratory Corporation of America, LabCorp
Classification: Uncertain significance. Last evaluated: 2025-12-01. Review status: criteria provided, single submitter. Criteria: LabCorp Variant Classification Summary - May 2015. Collection method: clinical testing. Allele origin: germline.
Comment: Variant summary: DOCK6 c.5216A>T (p.His1739Leu) results in a non-conservative amino acid change located in the DOCKER domain (IPR027357) of the encoded protein sequence. Algorithms developed to predict the effect of missense changes on protein structure and function are either unavailable or do not agree on the potential impact of this missense change. The variant allele was found at a frequency of 0.00036 in 192634 control chromosomes, predominantly at a frequency of 0.0011 within the Latino subpopulation in the gnomAD database. This frequency is not significantly higher than estimated for disease-causing variants in DOCK6, allowing no conclusion about variant significance. To our knowledge, no occurrence of c.5216A>T in individuals affected with DOCK6-related conditions and no experimental evidence demonstrating its impact on protein function have been reported. ClinVar contains an entry for this variant (Variation ID: 975221). Based on the evidence outlined above, the variant was classified as uncertain significance.

Labcorp Genetics (formerly Invitae), Labcorp
Classification: Uncertain significance. Last evaluated: 2024-12-02. Review status: criteria provided, single submitter. Criteria: Invitae Variant Classification Sherloc (09022015). Collection method: clinical testing. Allele origin: germline.
Comment: This sequence change replaces histidine, which is basic and polar, with leucine, which is neutral and non-polar, at codon 1739 of the DOCK6 protein (p.His1739Leu). This variant is present in population databases (rs200792145, gnomAD 0.1%). This variant has not been reported in the literature in individuals affected with DOCK6-related conditions. ClinVar contains an entry for this variant (Variation ID: 975221). Invitae Evidence Modeling of protein sequence and biophysical properties (such as structural, functional, and spatial information, amino acid conservation, physicochemical variation, residue mobility, and thermodynamic stability) indicates that this missense variant is not expected to disrupt DOCK6 protein function with a negative predictive value of 80%. In summary, the available evidence is currently insufficient to determine the role of this variant in disease. Therefore, it has been classified as a Variant of Uncertain Significance.

Blueprint Genetics
Classification: Uncertain significance. Last evaluated: 2024-10-02. Review status: criteria provided, single submitter. Criteria: ACMG Guidelines, 2015. Collection method: clinical testing. Allele origin: germline.

Ambry Genetics
Classification: Uncertain significance for Inborn genetic diseases. Last evaluated: 2023-05-24. Review status: criteria provided, single submitter. Criteria: Ambry Variant Classification Scheme 2023. Collection method: clinical testing. Allele origin: germline.

Revvity Omics, Revvity
Classification: Uncertain significance for Adams-Oliver syndrome 2. Last evaluated: 2023-01-26. Review status: criteria provided, single submitter. Criteria: ACMG Guidelines, 2015. Collection method: clinical testing. Allele origin: germline.

Centre de Biologie Pathologie Génétique, Centre Hospitalier Universitaire de Lille
Classification: Likely benign for Intellectual disability. Last evaluated: 2019-01-01. Review status: no assertion criteria provided. Collection method: clinical testing. Allele origin: inherited. Affected: yes. Not counted in ClinVar's aggregate classification.

NM_020812.4(DOCK6):c.5216A>T (p.His1739Leu)

Genes: DOCK6 (dedicator of cytokinesis 6; minus strand), DOCK6-AS1 (DOCK6 antisense RNA 1; plus strand). Cytogenetic location: 19p13.2.
Variant type: single nucleotide variant.
Coding change: c.5216A>T on transcript NM_020812.4 (MANE Select); coding-DNA position 5216, A replaced by T.
Protein change: p.His1739Leu; replaces histidine 1739 with leucine.
Molecular consequence: missense variant.
Genome position (GRCh38, 1-based): chr19:11,204,204, T>A on the plus strand (A>T on the coding strand, the complement: DOCK6 is on the minus strand). VCF-style: chr19-11204204-T-A. GRCh37 (hg19) VCF-style: chr19-11314880-T-A.
Other names: c.5216A>T (NM_020812.2); c.5321A>T, p.His1774Leu (NM_001367830.1); short protein forms H1739L, H1774L.
Identifiers: ClinVar variation 975221 (VCV000975221.16), dbSNP rs200792145, ClinGen allele CA9206596.